The following is an entry in ClinVar:

ClinVar aggregate classification (germline): Uncertain significance. Review status: criteria provided, multiple submitters, no conflicts (2 of 4 stars). 3 submissions from 3 submitters: Uncertain significance (3). Last evaluated 2025-11-15.

Conditions:
Hereditary cancer-predisposing syndrome. Also called: Tumor predisposition; Hereditary Cancer Syndrome; Neoplastic Syndromes, Hereditary; Hereditary neoplastic syndrome. Identifiers: Orphanet 140162, MedGen C0027672, MeSH D009386, MONDO:0015356.
Fanconi anemia (FA). Also called: Fanconi's anemia. Identifiers: Orphanet 84, MedGen C0015625, MeSH D005199, MONDO:0019391.

Allele frequency attached by ClinVar (database versions not stated): gnomAD 0.00001; gnomAD exomes 0.00001.
gnomAD v4.1: 13 of 1,612,874 alleles (0.00081%); highest among the groups gnomAD compares: African/African-American, 0.0027%; no homozygotes.

Submissions (3):

Ambry Genetics
Classification: Uncertain significance for Hereditary cancer-predisposing syndrome. Last evaluated: 2025-11-15. Review status: criteria provided, single submitter. Criteria: Ambry Variant Classification Scheme 2023. Collection method: clinical testing. Allele origin: germline.
Comment: The p.C96F variant (also known as c.287G>T), located in coding exon 3 of the FANCC gene, results from a G to T substitution at nucleotide position 287. The cysteine at codon 96 is replaced by phenylalanine, an amino acid with highly dissimilar properties. This amino acid position is highly conserved in available vertebrate species. In addition, this alteration is predicted to be deleterious by in silico analysis. Since supporting evidence is limited at this time, the clinical significance of this alteration remains unclear.

Labcorp Genetics (formerly Invitae), Labcorp
Classification: Uncertain significance for Fanconi anemia. Last evaluated: 2024-01-08. Review status: criteria provided, single submitter. Criteria: Invitae Variant Classification Sherloc (09022015). Collection method: clinical testing. Allele origin: germline.
Comment: This sequence change replaces cysteine, which is neutral and slightly polar, with phenylalanine, which is neutral and non-polar, at codon 96 of the FANCC protein (p.Cys96Phe). This variant is present in population databases (no rsID available, gnomAD 0.004%). This variant has not been reported in the literature in individuals affected with FANCC-related conditions. ClinVar contains an entry for this variant (Variation ID: 1797160). Advanced modeling of protein sequence and biophysical properties (such as structural, functional, and spatial information, amino acid conservation, physicochemical variation, residue mobility, and thermodynamic stability) has been performed at Invitae for this missense variant, however the output from this modeling did not meet the statistical confidence thresholds required to predict the impact of this variant on FANCC protein function. Algorithms developed to predict the effect of sequence changes on RNA splicing suggest that this variant may disrupt the consensus splice site. In summary, the available evidence is currently insufficient to determine the role of this variant in disease. Therefore, it has been classified as a Variant of Uncertain Significance.

GeneDx
Classification: Uncertain significance. Last evaluated: 2023-06-14. Review status: criteria provided, single submitter. Criteria: GeneDx Variant Classification Process June 2021. Collection method: clinical testing. Allele origin: germline. Affected: yes.
Comment: Not observed at significant frequency in large population cohorts (gnomAD); In silico analysis supports that this missense variant has a deleterious effect on protein structure/function; Has not been previously published as pathogenic or benign to our knowledge; In silico analysis suggests this variant may impact gene splicing. In the absence of RNA/functional studies, the actual effect of this sequence change is unknown.

NM_000136.3(FANCC):c.287G>T (p.Cys96Phe)

Gene: FANCC (FA complementation group C; minus strand). Cytogenetic location: 9q22.32.
Variant type: single nucleotide variant.
Coding change: c.287G>T on transcript NM_000136.3 (MANE Select); coding-DNA position 287, G replaced by T.
Protein change: p.Cys96Phe; replaces cysteine 96 with phenylalanine.
Molecular consequence: missense variant.
Genome position (GRCh38, 1-based): chr9:95,240,707, C>A on the plus strand (G>T on the coding strand, the complement: FANCC is on the minus strand). VCF-style: chr9-95240707-C-A. GRCh37 (hg19) VCF-style: chr9-98002989-C-A.
Other names: c.287G>T, p.Cys96Phe (NM_001243743.2, NM_001243744.2); short protein forms C96F.
Identifiers: ClinVar variation 1797160 (VCV001797160.8), dbSNP rs955739738, ClinGen allele CA196917008.